The following is an entry in ClinVar:

ClinVar aggregate classification (germline): Uncertain significance (1 of 4 stars; one submission).

gnomAD v4.1: 1 of 1,613,334 alleles (0.000062%); highest among the groups gnomAD compares: Non-Finnish European, 0.000085%; no homozygotes.

Submission:

CeGaT Center for Human Genetics Tuebingen
Classification: Uncertain significance. Last evaluated: 2026-01-01. Review status: criteria provided, single submitter. Criteria: CeGaT Center For Human Genetics Tuebingen Variant Classification Criteria Version 2. Collection method: clinical testing. Allele origin: germline. Affected: yes. Observed: 1 variant allele.
Comment: TTN: PM2

NM_001267550.2(TTN):c.73610C>T (p.Thr24537Ile)

Genes: TTN (titin; minus strand), TTN-AS1 (TTN antisense RNA 1; plus strand). Cytogenetic location: 2q31.2.
Variant type: single nucleotide variant.
Coding change: c.73610C>T on transcript NM_001267550.2 (MANE Select); coding-DNA position 73610, C replaced by T.
Protein change: p.Thr24537Ile; replaces threonine 24537 with isoleucine.
Molecular consequence: missense variant.
Genome position (GRCh38, 1-based): chr2:178,572,522, G>A on the plus strand (C>T on the coding strand, the complement: TTN is on the minus strand). VCF-style: chr2-178572522-G-A. GRCh37 (hg19) VCF-style: chr2-179437249-G-A.
Other names: c.68687C>T, p.Thr22896Ile (NM_001256850.1); c.46415C>T, p.Thr15472Ile (NM_003319.4); c.65906C>T, p.Thr21969Ile (NM_133378.4); c.46790C>T, p.Thr15597Ile (NM_133432.3); c.46991C>T, p.Thr15664Ile (NM_133437.4); short protein forms T15472I, T15597I, T15664I, T21969I, T22896I, T24537I.
Identifiers: ClinVar variation 4823154 (VCV004823154.4).
Genomic context (GRCh38, chr2:178,572,522, plus strand): 5'-TCAACAATATAGTTCTTGATTTTTGAACCTCCATCAAGGAGAGGTGGGTCCCATGTGAGT[G>A]TGACAGATGTCTTAGTGACCTCTTTTACCTTCAGATCCTGTGGGGGGCCTGGTGTATCGA-3'
Protein context (NP_001254479.2, residues 24527-24547): KVKEVTKTSV[Thr24537Ile]LTWDPPLLDG